The following is an entry in ClinVar:

NM_001371986.1(UNC80):c.7030G>A (p.Ala2344Thr)

Gene: UNC80 (unc-80 homolog, NALCN channel complex subunit; plus strand). Cytogenetic location: 2q34.
Variant type: single nucleotide variant.
Coding change: c.7030G>A on transcript NM_001371986.1 (MANE Select); coding-DNA position 7030, G replaced by A.
Protein change: p.Ala2344Thr; replaces alanine 2344 with threonine.
Molecular consequence: missense variant.
Genome position (GRCh38, 1-based): chr2:209,943,494, G>A. VCF-style: chr2-209943494-G-A. GRCh37 (hg19) VCF-style: chr2-210808218-G-A.
Other names: c.6832G>A, p.Ala2278Thr (NM_032504.2); c.6817G>A, p.Ala2273Thr (NM_182587.4); short protein forms A2278T, A2344T, A2273T.
Identifiers: ClinVar variation 1383756 (VCV001383756.5), dbSNP rs75230120, ClinGen allele CA65042834.

ClinVar aggregate classification (germline): Uncertain significance (1 of 4 stars; one submission).

gnomAD v4.1: 10 of 1,551,512 alleles (0.00064%); highest among the groups gnomAD compares: Admixed American, 0.012%; no homozygotes.

Submission:

Labcorp Genetics (formerly Invitae), Labcorp
Classification: Uncertain significance. Last evaluated: 2022-06-13. Review status: criteria provided, single submitter. Criteria: Invitae Variant Classification Sherloc (09022015). Collection method: clinical testing. Allele origin: germline.
Comment: This sequence change replaces alanine, which is neutral and non-polar, with threonine, which is neutral and polar, at codon 2278 of the UNC80 protein (p.Ala2278Thr). This variant is present in population databases (rs75230120, gnomAD 0.02%). This missense change has been observed in individual(s) with clinical features of UNC80-related conditions (PMID: 28191889). Algorithms developed to predict the effect of missense changes on protein structure and function are either unavailable or do not agree on the potential impact of this missense change (SIFT: "Not Available"; PolyPhen-2: "Probably Damaging"; Align-GVGD: "Not Available"). In summary, the available evidence is currently insufficient to determine the role of this variant in disease. Therefore, it has been classified as a Variant of Uncertain Significance.

Literature cited by the submitters: PubMed 28191889.